The following is an entry in ClinVar:

NM_001297436.2(HAS1):c.426C>T (p.Tyr142=)

Gene: HAS1 (hyaluronan synthase 1; minus strand). Cytogenetic location: 19q13.41.
Variant type: single nucleotide variant.
Coding change: c.426C>T on transcript NM_001297436.2 (MANE Select); coding-DNA position 426, C replaced by T.
Protein change: p.Tyr142=; no amino-acid change (tyrosine 142 retained).
Molecular consequence: synonymous variant.
Genome position (GRCh38, 1-based): chr19:51,719,479, G>A on the plus strand (C>T on the coding strand, the complement: HAS1 is on the minus strand). VCF-style: chr19-51719479-G-A. GRCh37 (hg19) VCF-style: chr19-52222732-G-A.
Other names: c.429C>T, p.Tyr143= (NM_001523.4).
Identifiers: ClinVar variation 2650379 (VCV002650379.24), dbSNP rs61736496, ClinGen allele CA9616215.

ClinVar aggregate classification (germline): Likely benign (1 of 4 stars; one submission).

Allele frequency attached by ClinVar (database versions not stated): 1000 Genomes Project 30x 0.00109; 1000 Genomes Project 0.00120; gnomAD 0.00263; ESP Exome Variant Server 0.00264; TOPMed 0.00299; gnomAD exomes 0.00365; ExAC 0.00560.
gnomAD v4.1: 5,601 of 1,551,248 alleles (0.36%); highest among the groups gnomAD compares: Middle Eastern, 0.84%; 18 homozygotes.

Submission:

CeGaT Center for Human Genetics Tuebingen
Classification: Likely benign. Last evaluated: 2022-05-01. Review status: criteria provided, single submitter. Criteria: CeGaT Center For Human Genetics Tuebingen Variant Classification Criteria Version 2. Collection method: clinical testing. Allele origin: germline. Affected: yes. Observed: 1 variant allele.
Comment: HAS1: BP4, BP7